The following is an entry in ClinVar:

ClinVar aggregate classification (germline): Uncertain significance (1 of 4 stars; one submission).

Conditions:
Ehlers-Danlos syndrome, classic type, 1 (EDSCL1). Also called: Ehlers-Danlos Syndrome, Classic Type, COL5A1-Related; EDS I; EHLERS-DANLOS SYNDROME, GRAVIS TYPE; EHLERS-DANLOS SYNDROME, SEVERE CLASSIC TYPE; Ehlers-Danlos syndrome, type 1. Identifiers: MedGen C0268335, MONDO:0019567, OMIM 130000.

Submission:

Labcorp Genetics (formerly Invitae), Labcorp
Classification: Uncertain significance for Ehlers-Danlos syndrome, classic type, 1. Last evaluated: 2025-03-10. Review status: criteria provided, single submitter. Criteria: Invitae Variant Classification Sherloc (09022015). Collection method: clinical testing. Allele origin: germline.
Comment: This sequence change replaces proline, which is neutral and non-polar, with threonine, which is neutral and polar, at codon 416 of the COL5A2 protein (p.Pro416Thr). This variant is not present in population databases (gnomAD no frequency). This variant has not been reported in the literature in individuals affected with COL5A2-related conditions. Invitae Evidence Modeling of protein sequence and biophysical properties (such as structural, functional, and spatial information, amino acid conservation, physicochemical variation, residue mobility, and thermodynamic stability) indicates that this missense variant is not expected to disrupt COL5A2 protein function with a negative predictive value of 80%. In summary, the available evidence is currently insufficient to determine the role of this variant in disease. Therefore, it has been classified as a Variant of Uncertain Significance.

NM_000393.5(COL5A2):c.1246C>A (p.Pro416Thr)

Gene: COL5A2 (collagen type V alpha 2 chain; minus strand). Cytogenetic location: 2q32.2.
Variant type: single nucleotide variant.
Coding change: c.1246C>A on transcript NM_000393.5 (MANE Select); coding-DNA position 1246, C replaced by A.
Protein change: p.Pro416Thr; replaces proline 416 with threonine.
Molecular consequence: missense variant.
Genome position (GRCh38, 1-based): chr2:189,068,797, G>T on the plus strand (C>A on the coding strand, the complement: COL5A2 is on the minus strand). VCF-style: chr2-189068797-G-T. GRCh37 (hg19) VCF-style: chr2-189933523-G-T.
Other names: short protein forms P416T.
Identifiers: ClinVar variation 4805204 (VCV004805204.1).